The following is an entry in ClinVar:

NM_001044385.3(TMEM237):c.9T>G (p.Thr3=)

Genes: TMEM237 (transmembrane protein 237; minus strand), LOC129935417 (ATAC-STARR-seq lymphoblastoid silent region 12235; plus strand). Cytogenetic location: 2q33.1.
Variant type: single nucleotide variant.
Coding change: c.9T>G on transcript NM_001044385.3 (MANE Select); coding-DNA position 9, T replaced by G.
Protein change: p.Thr3=; no amino-acid change (threonine 3 retained).
Molecular consequence: synonymous variant.
Genome position (GRCh38, 1-based): chr2:201,643,392, A>C on the plus strand (T>G on the coding strand, the complement: TMEM237 is on the minus strand). VCF-style: chr2-201643392-A-C. GRCh37 (hg19) VCF-style: chr2-202508115-A-C.
Identifiers: ClinVar variation 130594 (VCV000130594.20), dbSNP rs6736435, ClinGen allele CA155729.

ClinVar aggregate classification (germline): Benign. Review status: criteria provided, multiple submitters, no conflicts (2 of 4 stars). 6 submissions from 6 submitters: Benign (5). 1 of the submissions does not count toward it. Last evaluated 2026-02-04.

Conditions:
Joubert syndrome 14 (JBTS14). Identifiers: MedGen C3280766, MONDO:0013745, OMIM 614424.

Allele frequency attached by ClinVar (database versions not stated): gnomAD exomes 0.01153 and 0.02492; ESP Exome Variant Server 0.01257; gnomAD 0.02349 and 0.02618; TOPMed 0.02732; ExAC 0.03935; 1000 Genomes Project 30x 0.06152; 1000 Genomes Project 0.06530.
gnomAD v4.1: 20,503 of 1,544,272 alleles (1.3%); highest among the groups gnomAD compares: East Asian, 18%; 999 homozygotes.

Submissions (6):

Labcorp Genetics (formerly Invitae), Labcorp
Classification: Benign for Joubert syndrome 14. Last evaluated: 2026-02-04. Review status: criteria provided, single submitter. Criteria: Invitae Variant Classification Sherloc (09022015). Collection method: clinical testing. Allele origin: germline.

Illumina Laboratory Services, Illumina
Classification: Benign for Joubert syndrome 14. Last evaluated: 2018-01-13. Review status: criteria provided, single submitter. Criteria: ICSL Variant Classification Criteria 13 December 2019. Collection method: clinical testing. Allele origin: germline.
Comment: This variant was observed in the ICSL laboratory as part of a predisposition screen in an ostensibly healthy population. It had not been previously curated by ICSL or reported in the Human Gene Mutation Database (HGMD: prior to June 1st, 2018), and was therefore a candidate for classification through an automated scoring system. Utilizing variant allele frequency, disease prevalence and penetrance estimates, and inheritance mode, an automated score was calculated to assess if this variant is too frequent to cause the disease. Based on the score and internal cut-off values, a variant classified as benign is not then subjected to further curation. The score for this variant resulted in a classification of benign for this disease.

GeneDx
Classification: Benign. Last evaluated: 2016-11-29. Review status: criteria provided, single submitter. Criteria: GeneDx Variant Classification (06012015). Collection method: clinical testing. Allele origin: germline. Affected: yes.
Comment: This variant is considered likely benign or benign based on one or more of the following criteria: it is a conservative change, it occurs at a poorly conserved position in the protein, it is predicted to be benign by multiple in silico algorithms, and/or has population frequency not consistent with disease.

Breakthrough Genomics
Classification: Benign. Review status: criteria provided, single submitter. Criteria: ACMG Guidelines, 2015. Collection method: not provided. Allele origin: germline. Inheritance: Autosomal recessive inheritance. Affected: yes.

PreventionGenetics, part of Exact Sciences
Classification: Benign. Review status: criteria provided, single submitter. Criteria: ACMG Guidelines, 2015. Collection method: clinical testing. Allele origin: germline.

Genetic Services Laboratory, University of Chicago
Classification: Likely benign for AllHighlyPenetrant. Review status: no assertion criteria provided. Collection method: clinical testing. Allele origin: germline. Inheritance: Autosomal recessive inheritance. Not counted in ClinVar's aggregate classification.
Comment: Likely benign based on allele frequency in 1000 Genomes Project or ESP global frequency and its presence in a patient with a rare or unrelated disease phenotype. NOT Sanger confirmed.